The following is an entry in ClinVar:

NM_020708.5(SLC12A5):c.326A>G (p.Gln109Arg)

Gene: SLC12A5 (solute carrier family 12 member 5; plus strand). Cytogenetic location: 20q13.12.
Variant type: single nucleotide variant.
Coding change: c.326A>G on transcript NM_020708.5 (MANE Select); coding-DNA position 326, A replaced by G.
Protein change: p.Gln109Arg; replaces glutamine 109 with arginine.
Molecular consequence: missense variant.
Genome position (GRCh38, 1-based): chr20:46,035,823, A>G. VCF-style: chr20-46035823-A-G. GRCh37 (hg19) VCF-style: chr20-44664462-A-G.
Other names: c.395A>G, p.Gln132Arg (NM_001134771.2); short protein forms Q109R, Q132R.
Identifiers: ClinVar variation 1054566 (VCV001054566.9), dbSNP rs2145482810, ClinGen allele CA409187570.

ClinVar aggregate classification (germline): Uncertain significance (1 of 4 stars; one submission).

Conditions:
Developmental and epileptic encephalopathy, 34 (DEE34). Also called: SLC12A5-Related Epilepsy of Infancy with Migrating Focal Seizures; Early infantile epileptic encephalopathy 34. Identifiers: Orphanet 293181, MedGen C4225257, MONDO:0014718, OMIM 616645.

Submission:

Labcorp Genetics (formerly Invitae), Labcorp
Classification: Uncertain significance for Developmental and epileptic encephalopathy, 34. Last evaluated: 2020-09-11. Review status: criteria provided, single submitter. Criteria: Invitae Variant Classification Sherloc (09022015). Collection method: clinical testing. Allele origin: germline.
Comment: In summary, the available evidence is currently insufficient to determine the role of this variant in disease. Therefore, it has been classified as a Variant of Uncertain Significance. Algorithms developed to predict the effect of missense changes on protein structure and function (SIFT, PolyPhen-2, Align-GVGD) all suggest that this variant is likely to be tolerated, but these predictions have not been confirmed by published functional studies and their clinical significance is uncertain. This variant has not been reported in the literature in individuals with SLC12A5-related conditions. This variant is not present in population databases (ExAC no frequency). This sequence change replaces glutamine with arginine at codon 109 of the SLC12A5 protein (p.Gln109Arg). The glutamine residue is highly conserved and there is a small physicochemical difference between glutamine and arginine.